The following is an entry in ClinVar:

ClinVar aggregate classification (germline): Likely pathogenic (1 of 4 stars; one submission).

Conditions:
Vanishing white matter disease. Also called: CACH syndrome; Childhood ataxia with diffuse central nervous system hypomyelination; Leukoencephalopathy with vanishing white matter; CACH/VWM syndrome; Cree leukoencehalopathy. Identifiers: Orphanet 135, Orphanet 99853, MedGen C1858991, MONDO:0800448.

Submission:

Natera, Inc.
Classification: Likely pathogenic for Leukoencephalopathy with vanishing white matter. Last evaluated: 2026-01-23. Review status: criteria provided, single submitter. Criteria: Natera Variant Classification Schema (03/2026). Collection method: clinical testing. Allele origin: germline.
Comment: The c.948_950dup variant in EIF2B5 is an in-frame insertion. This variant is expected to result in nonsense mediated decay, truncation, or a dysfunctional protein product. This variant is rare in the general population with a frequency below the threshold expected for the associated phenotype(s). Given the available evidence, this variant is classified as Likely Pathogenic.

NM_003907.3(EIF2B5):c.948_950dup (p.Trp317Ter)

Gene: EIF2B5 (eukaryotic translation initiation factor 2B subunit epsilon; plus strand). Cytogenetic location: 3q27.1.
Variant type: Duplication.
Coding change: c.948_950dup on transcript NM_003907.3 (MANE Select); coding-DNA positions 948 to 950, 3 bases duplicated (ATG; older notation c.948_950dupATG).
Protein change: p.Trp317Ter; replaces tryptophan 317 with a stop codon.
Molecular consequence: nonsense.
Genome position (GRCh38, 1-based): chr3:184,140,522-184,140,524, ATG duplicated; duplicating any 3 consecutive bases within chr3:184,140,521-184,140,524 gives the same sequence; the c. name uses the placement nearest the transcript's 3' end. VCF-style (leftmost placement, unchanged base first): chr3-184140520-C-CGAT. GRCh37 (hg19) VCF-style: chr3-183858308-C-CGAT.
Other names: short protein forms W317*.
Identifiers: ClinVar variation 4815287 (VCV004815287.1).
Genomic context (GRCh38, chr3:184,140,520, plus strand): 5'-TATGGTGCCCGTGTCTCCAACCTACACATGTACTCAGCTGTCTGTGCTGACGTCATCCGC[C>CGAT]GATGGGTCTACCCTCTCACCCCAGAGGCGAACTTCACTGACAGCACCACCCAGAGCTGCA-3'